The following is an entry in ClinVar:

NM_024580.6(EFL1):c.574A>G (p.Arg192Gly)

Gene: EFL1 (elongation factor like GTPase 1; minus strand). Cytogenetic location: 15q25.2.
Variant type: single nucleotide variant.
Coding change: c.574A>G on transcript NM_024580.6 (MANE Select); coding-DNA position 574, A replaced by G.
Protein change: p.Arg192Gly; replaces arginine 192 with glycine.
Molecular consequence: missense variant. On other transcripts: 5 prime UTR variant (1), non-coding transcript variant (1).
Genome position (GRCh38, 1-based): chr15:82,238,464, T>C on the plus strand (A>G on the coding strand, the complement: EFL1 is on the minus strand). VCF-style: chr15-82238464-T-C. GRCh37 (hg19) VCF-style: chr15-82530805-T-C.
Other names: c.421A>G, p.Arg141Gly (NM_001040610.3); c.-216A>G (NM_001322844.2); c.574A>G, p.Arg192Gly (NM_001322845.2); short protein forms R141G, R192G.
Identifiers: ClinVar variation 2503144 (VCV002503144.1), dbSNP rs368078645, ClinGen allele CA7698245.
Genomic context (GRCh38, chr15:82,238,464, plus strand): 5'-TCCAGTCATATACTTGCTCTCCTTGTTCAGAATTTGGATTCACTTGGGATTCAGTCTCCC[T>C]CTCTGCTCTTTCTTCTAGGACTTTAGAAGTAAAAAGAGTCCCTGTGAGCGCATTAATCTA-3'
Protein context (NP_078856.4, residues 182-202): TSKVLEERAE[Arg192Gly]ETESQVNPNS

ClinVar aggregate classification (germline): Uncertain significance (1 of 4 stars; one submission).

Allele frequency attached by ClinVar (database versions not stated): gnomAD exomes below 0.00001; ExAC 0.00003; gnomAD 0.00005; TOPMed 0.00006; ESP Exome Variant Server 0.00008.
gnomAD v4.1: 11 of 1,613,998 alleles (0.00068%); highest among the groups gnomAD compares: African/African-American, 0.015%; no homozygotes.

Submission:

GeneDx
Classification: Uncertain significance. Last evaluated: 2022-11-28. Review status: criteria provided, single submitter. Criteria: GeneDx Variant Classification Process June 2021. Collection method: clinical testing. Allele origin: germline. Affected: yes.
Comment: In silico analysis supports that this missense variant does not alter protein structure/function; Has not been previously published as pathogenic or benign to our knowledge